The following is an entry in ClinVar:

NM_014244.5(ADAMTS2):c.1383-16C>T

Gene: ADAMTS2 (ADAM metallopeptidase with thrombospondin type 1 motif 2; minus strand). Cytogenetic location: 5q35.3.
Variant type: single nucleotide variant.
Coding change: c.1383-16C>T on transcript NM_014244.5 (MANE Select); 16 bases into the intron before coding-DNA position 1383, C replaced by T.
Molecular consequence: intron variant.
Genome position (GRCh38, 1-based): chr5:179,153,639, G>A on the plus strand (C>T on the coding strand, the complement: ADAMTS2 is on the minus strand). VCF-style: chr5-179153639-G-A. GRCh37 (hg19) VCF-style: chr5-178580640-G-A.
Other names: c.1383-16C>T (NM_021599.4).
Identifiers: ClinVar variation 509648 (VCV000509648.12), dbSNP rs377462612, ClinGen allele CA3595931.

ClinVar aggregate classification (germline): Benign/Likely benign. Review status: criteria provided, multiple submitters, no conflicts (2 of 4 stars). 4 submissions from 4 submitters: Benign (1); Likely benign (3). Last evaluated 2025-12-29.

Conditions:
Ehlers-Danlos syndrome, dermatosparaxis type. Also called: EDS VIIC; Ehlers-Danlos syndrome, type VII, autosomal recessive; Dermatosparaxis. Identifiers: Orphanet 1901, MedGen C2700425, MONDO:0009161, OMIM 225410.

Allele frequency attached by ClinVar (database versions not stated): TOPMed 0.00019; ExAC 0.00023; ESP Exome Variant Server 0.00023; gnomAD 0.00026.
gnomAD v4.1: 599 of 1,597,600 alleles (0.037%); highest among the groups gnomAD compares: South Asian, 0.1%; 6 homozygotes.

Submissions (4):

Labcorp Genetics (formerly Invitae), Labcorp
Classification: Benign for Ehlers-Danlos syndrome, dermatosparaxis type. Last evaluated: 2025-12-29. Review status: criteria provided, single submitter. Criteria: Invitae Variant Classification Sherloc (09022015). Collection method: clinical testing. Allele origin: germline.

Women's Health and Genetics/Laboratory Corporation of America, LabCorp
Classification: Likely benign. Last evaluated: 2025-04-07. Review status: criteria provided, single submitter. Criteria: LabCorp Variant Classification Summary - May 2015. Collection method: clinical testing. Allele origin: germline.

Blueprint Genetics
Classification: Likely benign. Last evaluated: 2024-10-18. Review status: criteria provided, single submitter. Criteria: ACMG Guidelines, 2015. Collection method: clinical testing. Allele origin: germline.

GeneDx
Classification: Likely benign. Last evaluated: 2017-05-22. Review status: criteria provided, single submitter. Criteria: GeneDx Variant Classification (06012015). Collection method: clinical testing. Allele origin: germline. Affected: yes.
Comment: This variant is considered likely benign or benign based on one or more of the following criteria: it is a conservative change, it occurs at a poorly conserved position in the protein, it is predicted to be benign by multiple in silico algorithms, and/or has population frequency not consistent with disease.